The following is an entry in ClinVar:

ClinVar aggregate classification (germline): Likely benign. Review status: criteria provided, multiple submitters, no conflicts (2 of 4 stars). 2 submissions from 2 submitters: Likely benign (2). Last evaluated 2023-04-15.

Allele frequency attached by ClinVar (database versions not stated): gnomAD exomes below 0.00001 and 0.00001; ExAC 0.00001; TOPMed 0.00003; gnomAD 0.00005 and 0.00006.
gnomAD v4.1: 9 of 1,611,830 alleles (0.00056%); highest among the groups gnomAD compares: African/African-American, 0.012%; no homozygotes.

Submissions (2):

Labcorp Genetics (formerly Invitae), Labcorp
Classification: Likely benign. Last evaluated: 2023-04-15. Review status: criteria provided, single submitter. Criteria: Invitae Variant Classification Sherloc (09022015). Collection method: clinical testing. Allele origin: germline.

Laboratory for Molecular Medicine, Mass General Brigham Personalized Medicine
Classification: Likely benign. Last evaluated: 2015-06-08. Review status: criteria provided, single submitter. Criteria: LMM Criteria. Collection method: clinical testing. Allele origin: germline. Observed: 1 variant allele.
Comment: p.Glu234Glu in exon 4 of GIPC3: This variant is not expected to have clinical si gnificance because it does not alter an amino acid residue and is not located wi thin the splice consensus sequence. It has been identified in 1/9684 of African chromosomes by the Exome Aggregation Consortium (ExAC).

NM_133261.3(GIPC3):c.702A>G (p.Glu234=)

Gene: GIPC3 (GIPC PDZ domain containing family member 3; plus strand). Cytogenetic location: 19p13.3.
Variant type: single nucleotide variant.
Coding change: c.702A>G on transcript NM_133261.3 (MANE Select); coding-DNA position 702, A replaced by G.
Protein change: p.Glu234=; no amino-acid change (glutamic acid 234 retained).
Molecular consequence: synonymous variant.
Genome position (GRCh38, 1-based): chr19:3,589,552, A>G. VCF-style: chr19-3589552-A-G. GRCh37 (hg19) VCF-style: chr19-3589550-A-G.
Identifiers: ClinVar variation 227382 (VCV000227382.7), dbSNP rs748059362, ClinGen allele CA9080501.